The following is an entry in ClinVar:

NM_001386140.1(MTTP):c.2343-1G>A

Gene: MTTP (microsomal triglyceride transfer protein; plus strand). Cytogenetic location: 4q23.
Variant type: single nucleotide variant.
Coding change: c.2343-1G>A on transcript NM_001386140.1 (MANE Select); the canonical splice acceptor site of the intron before coding-DNA position 2343, G replaced by A.
Molecular consequence: splice acceptor variant.
Genome position (GRCh38, 1-based): chr4:99,621,060, G>A. VCF-style: chr4-99621060-G-A. GRCh37 (hg19) VCF-style: chr4-100542217-G-A.
Other names: c.2343-1G>A (NM_000253.4); c.2094-1G>A (NM_001300785.2).
Identifiers: ClinVar variation 2979028 (VCV002979028.3), dbSNP rs2476161572, ClinGen allele CA357519317.

ClinVar aggregate classification (germline): Likely pathogenic (1 of 4 stars; one submission).

Submission:

Labcorp Genetics (formerly Invitae), Labcorp
Classification: Likely pathogenic. Last evaluated: 2022-12-02. Review status: criteria provided, single submitter. Criteria: Invitae Variant Classification Sherloc (09022015). Collection method: clinical testing. Allele origin: germline.
Comment: In summary, the currently available evidence indicates that the variant is pathogenic, but additional data are needed to prove that conclusively. Therefore, this variant has been classified as Likely Pathogenic. Algorithms developed to predict the effect of sequence changes on RNA splicing suggest that this variant may disrupt the consensus splice site. This variant has not been reported in the literature in individuals affected with MTTP-related conditions. This variant is not present in population databases (gnomAD no frequency). This sequence change affects an acceptor splice site in intron 17 of the MTTP gene. It is expected to disrupt RNA splicing. Variants that disrupt the donor or acceptor splice site typically lead to a loss of protein function (PMID: 16199547), and loss-of-function variants in MTTP are known to be pathogenic (PMID: 8533758, 9671739).

Literature cited by the submitters: PubMed 16199547; PubMed 8533758; PubMed 9671739.